The following is an entry in ClinVar:

ClinVar aggregate classification (germline): Uncertain significance (1 of 4 stars; one submission).

Allele frequency attached by ClinVar (database versions not stated): 1000 Genomes Project 30x 0.00062; gnomAD 0.00067 and 0.00068; 1000 Genomes Project 0.00040; TOPMed 0.00060; gnomAD exomes 0.00098.

Submission:

Women's Health and Genetics/Laboratory Corporation of America, LabCorp
Classification: Uncertain significance. Last evaluated: 2022-06-29. Review status: criteria provided, single submitter. Criteria: LabCorp Variant Classification Summary - May 2015. Collection method: clinical testing. Allele origin: germline.
Comment: Variant summary: HEXA c.-768A>G is located in the untranscribed region upstream of the HEXA gene region. The variant allele was found at a frequency of 0.00054 in 31404 control chromosomes. This frequency is not significantly higher than expected for a pathogenic variant in HEXA causing Tay-Sachs Disease (0.00054 vs 0.0014), allowing no conclusion about variant significance. To our knowledge, no occurrence of c.-768A>G in individuals affected with Tay-Sachs Disease and no experimental evidence demonstrating its impact on protein function have been reported. No clinical diagnostic laboratories have submitted clinical-significance assessments for this variant to ClinVar after 2014. Based on the evidence outlined above, the variant was classified as uncertain significance.

NM_000520.5(HEXA):c.-768A>G

Genes: HEXA (hexosaminidase subunit alpha; minus strand), HEXA-AS1 (HEXA antisense RNA 1; plus strand), LOC130057475 (ATAC-STARR-seq lymphoblastoid active region 9721; plus strand). Cytogenetic location: 15q23.
Variant type: single nucleotide variant.
Coding change: c.-768A>G on transcript NM_000520.5; 768 bases upstream of the start codon, A replaced by G.
Molecular consequence: non-coding transcript variant (on NR_027262.1).
Genome position (GRCh38, 1-based): chr15:72,376,740, T>C on the plus strand (A>G on the coding strand, the complement: HEXA is on the minus strand). VCF-style: chr15-72376740-T-C. GRCh37 (hg19) VCF-style: chr15-72669081-T-C.
Identifiers: ClinVar variation 1698657 (VCV001698657.1), dbSNP rs539186923, ClinGen allele CA272632458.